The following is an entry in ClinVar:

NM_005419.4(STAT2):c.217C>T (p.Arg73Cys)

Gene: STAT2 (signal transducer and activator of transcription 2; minus strand). Cytogenetic location: 12q13.3.
Variant type: single nucleotide variant.
Coding change: c.217C>T on transcript NM_005419.4 (MANE Select); coding-DNA position 217, C replaced by T.
Protein change: p.Arg73Cys; replaces arginine 73 with cysteine.
Molecular consequence: missense variant.
Genome position (GRCh38, 1-based): chr12:56,356,200, G>A on the plus strand (C>T on the coding strand, the complement: STAT2 is on the minus strand). VCF-style: chr12-56356200-G-A. GRCh37 (hg19) VCF-style: chr12-56749984-G-A.
Other names: c.217C>T, p.Arg73Cys (NM_001385110.1, NM_001385111.1, NM_001385113.1 and 3 more transcripts); short protein forms R73C.
Identifiers: ClinVar variation 2175775 (VCV002175775.1), dbSNP rs768151761, ClinGen allele CA6630929.

ClinVar aggregate classification (germline): Uncertain significance (1 of 4 stars; one submission).

Conditions:
Primary immunodeficiency with post-measles-mumps-rubella vaccine viral infection. Also called: Immunodeficiency 44. Identifiers: Orphanet 431166, MedGen C4225260, MONDO:0014715, OMIM 616636.

Allele frequency attached by ClinVar (database versions not stated): gnomAD exomes below 0.00001; TOPMed 0.00001; ExAC 0.00002.
gnomAD v4.1: 4 of 1,614,018 alleles (0.00025%); highest among the groups gnomAD compares: South Asian, 0.0022%; no homozygotes.

Submission:

Labcorp Genetics (formerly Invitae), Labcorp
Classification: Uncertain significance for Primary immunodeficiency with post-measles-mumps-rubella vaccine viral infection. Last evaluated: 2022-06-04. Review status: criteria provided, single submitter. Criteria: Invitae Variant Classification Sherloc (09022015). Collection method: clinical testing. Allele origin: germline.
Comment: This sequence change replaces arginine, which is basic and polar, with cysteine, which is neutral and slightly polar, at codon 73 of the STAT2 protein (p.Arg73Cys). This variant is present in population databases (rs768151761, gnomAD 0.006%). This variant has not been reported in the literature in individuals affected with STAT2-related conditions. Advanced modeling of protein sequence and biophysical properties (such as structural, functional, and spatial information, amino acid conservation, physicochemical variation, residue mobility, and thermodynamic stability) performed at Invitae indicates that this missense variant is expected to disrupt STAT2 protein function. In summary, the available evidence is currently insufficient to determine the role of this variant in disease. Therefore, it has been classified as a Variant of Uncertain Significance.